The following is an entry in ClinVar:

ClinVar aggregate classification (germline): Conflicting classifications of pathogenicity. Review status: criteria provided, conflicting classifications (1 of 4 stars). 3 submissions from 3 submitters: Uncertain significance (1); Benign (1); Likely benign (1). Last evaluated 2024-03-01.

Allele frequency attached by ClinVar (database versions not stated): ExAC 0.00052; gnomAD exomes 0.00083; 1000 Genomes Project 30x 0.00094; gnomAD 0.00113; 1000 Genomes Project 0.00120.
gnomAD v4.1: 1,289 of 1,505,270 alleles (0.086%); highest among the groups gnomAD compares: Admixed American, 0.091%; 8 homozygotes.

Submissions (3):

CeGaT Center for Human Genetics Tuebingen
Classification: Benign. Last evaluated: 2024-03-01. Review status: criteria provided, single submitter. Criteria: CeGaT Center For Human Genetics Tuebingen Variant Classification Criteria Version 2. Collection method: clinical testing. Allele origin: germline. Affected: yes. Observed: 3 variant alleles.
Comment: BICRA: BS1, BS2

Ambry Genetics
Classification: Uncertain significance. Last evaluated: 2024-01-24. Review status: criteria provided, single submitter. Criteria: Ambry Variant Classification Scheme 2023. Collection method: clinical testing. Allele origin: germline.

Breakthrough Genomics
Classification: Likely benign. Review status: criteria provided, single submitter. Criteria: ACMG Guidelines, 2015. Collection method: not provided. Allele origin: germline. Inheritance: Autosomal dominant inheritance. Affected: yes.

NM_001394372.1(BICRA):c.2351C>T (p.Pro784Leu)

Gene: BICRA (BRD4 interacting chromatin remodeling complex associated protein; plus strand). Cytogenetic location: 19q13.33.
Variant type: single nucleotide variant.
Coding change: c.2351C>T on transcript NM_001394372.1 (MANE Select); coding-DNA position 2351, C replaced by T.
Protein change: p.Pro784Leu; replaces proline 784 with leucine.
Molecular consequence: missense variant.
Genome position (GRCh38, 1-based): chr19:47,694,182, C>T. VCF-style: chr19-47694182-C-T. GRCh37 (hg19) VCF-style: chr19-48197439-C-T.
Other names: c.2351C>T, p.Pro784Leu (NM_015711.3); short protein forms P784L.
Identifiers: ClinVar variation 2650173 (VCV002650173.26), dbSNP rs550911676, ClinGen allele CA9541895.
Genomic context (GRCh38, chr19:47,694,182, plus strand): 5'-CAGCGGCTCCGCTGAAGGGCCCAGGCCCCTCTTCGTCCCCGTCACTACCTCACCAGGCCC[C>T]TCTGGGGGACAGCCCCCACCTGCCCTCCCCACACCCCACCCGGCCCCCTTCCCGCCCACC-3'
Protein context (NP_001381301.1, residues 774-794): SSSPSLPHQA[Pro784Leu]LGDSPHLPSP